The following is an entry in ClinVar:

ClinVar aggregate classification (germline): Uncertain significance. Review status: criteria provided, multiple submitters, no conflicts (2 of 4 stars). 2 submissions from 2 submitters: Uncertain significance (2). Last evaluated 2025-10-04.

Allele frequency attached by ClinVar (database versions not stated): TOPMed 0.00005; ExAC 0.00007; gnomAD exomes 0.00009; gnomAD 0.00007.

Submissions (2):

Labcorp Genetics (formerly Invitae), Labcorp
Classification: Uncertain significance. Last evaluated: 2025-10-04. Review status: criteria provided, single submitter. Criteria: Invitae Variant Classification Sherloc (09022015). Collection method: clinical testing. Allele origin: germline.
Comment: This sequence change replaces isoleucine, which is neutral and non-polar, with valine, which is neutral and non-polar, at codon 995 of the ATP4A protein (p.Ile995Val). This variant is present in population databases (rs751271471, gnomAD 0.01%). This variant has not been reported in the literature in individuals affected with ATP4A-related conditions. ClinVar contains an entry for this variant (Variation ID: 2509289). Invitae Evidence Modeling of protein sequence and biophysical properties (such as structural, functional, and spatial information, amino acid conservation, physicochemical variation, residue mobility, and thermodynamic stability) indicates that this missense variant is not expected to disrupt ATP4A protein function with a negative predictive value of 80%. In summary, the available evidence is currently insufficient to determine the role of this variant in disease. Therefore, it has been classified as a Variant of Uncertain Significance.

Ambry Genetics
Classification: Uncertain significance. Last evaluated: 2025-08-26. Review status: criteria provided, single submitter. Criteria: Ambry Variant Classification Scheme 2023. Collection method: clinical testing. Allele origin: germline.

NM_000704.3(ATP4A):c.2983A>G (p.Ile995Val)

Gene: ATP4A (ATPase H+/K+ transporting subunit alpha; minus strand). Cytogenetic location: 19q13.12.
Variant type: single nucleotide variant.
Coding change: c.2983A>G on transcript NM_000704.3 (MANE Select); coding-DNA position 2983, A replaced by G.
Protein change: p.Ile995Val; replaces isoleucine 995 with valine.
Molecular consequence: missense variant.
Genome position (GRCh38, 1-based): chr19:35,551,014, T>C on the plus strand (A>G on the coding strand, the complement: ATP4A is on the minus strand). VCF-style: chr19-35551014-T-C. GRCh37 (hg19) VCF-style: chr19-36041916-T-C.
Other names: short protein forms I995V.
Identifiers: ClinVar variation 2509289 (VCV002509289.5), dbSNP rs751271471, ClinGen allele CA9380616.